The following is an entry in ClinVar:

NM_001349253.2(SCN11A):c.1030A>G (p.Asn344Asp)

Gene: SCN11A (sodium voltage-gated channel alpha subunit 11; minus strand). Cytogenetic location: 3p22.2.
Variant type: single nucleotide variant.
Coding change: c.1030A>G on transcript NM_001349253.2 (MANE Select); coding-DNA position 1030, A replaced by G.
Protein change: p.Asn344Asp; replaces asparagine 344 with aspartic acid.
Molecular consequence: missense variant.
Genome position (GRCh38, 1-based): chr3:38,910,137, T>C on the plus strand (A>G on the coding strand, the complement: SCN11A is on the minus strand). VCF-style: chr3-38910137-T-C. GRCh37 (hg19) VCF-style: chr3-38951628-T-C.
Other names: c.1030A>G, p.Asn344Asp (NM_014139.3); short protein forms N344D.
Identifiers: ClinVar variation 1308059 (VCV001308059.2), dbSNP rs899453005, ClinGen allele CA72964663.
Genomic context (GRCh38, chr3:38,910,137, plus strand): 5'-GCTTCTCCCAGGAATCTTGGGTCATCAGCCGGAACATGGCAAGAAAAGACCAGCCAAAGT[T>C]GTCAAAATTCGTATAATTATAGTCAGGATTAATTTTGGTGTGCTTACATTCATATTGTAT-3'
Protein context (NP_001336182.1, residues 334-354): NPDYNYTNFD[Asn344Asp]FGWSFLAMFR

ClinVar aggregate classification (germline): Uncertain significance (1 of 4 stars; one submission).

Allele frequency attached by ClinVar (database versions not stated): TOPMed below 0.00001; gnomAD 0.00001.
gnomAD v4.1: 1 of 1,613,810 alleles (0.000062%); highest among the groups gnomAD compares: African/African-American, 0.0013%; no homozygotes.

Submission:

GeneDx
Classification: Uncertain significance. Last evaluated: 2019-08-22. Review status: criteria provided, single submitter. Criteria: GeneDx Variant Classification Process June 2021. Collection method: clinical testing. Allele origin: germline. Affected: yes.
Comment: In silico analysis, which includes protein predictors and evolutionary conservation, supports that this variant does not alter protein structure/function; Has not been previously published as pathogenic or benign to our knowledge